The following is an entry in ClinVar:

NC_000015.9:g.(?_65930466)_(65932041_?)del

Gene: SLC24A1 (solute carrier family 24 member 1; plus strand). Cytogenetic location: 15q22.31.
Variant type: Deletion.
Identifiers: ClinVar variation 1073610 (VCV001073610.6).

ClinVar aggregate classification (germline): Pathogenic (1 of 4 stars; one submission).

Submission:

Labcorp Genetics (formerly Invitae), Labcorp
Classification: Pathogenic. Last evaluated: 2022-03-10. Review status: criteria provided, single submitter. Criteria: Invitae Variant Classification Sherloc (09022015). Collection method: clinical testing. Allele origin: germline.
Comment: For these reasons, this variant has been classified as Pathogenic. This variant has not been reported in the literature in individuals affected with SLC24A1-related conditions. This variant is a gross deletion of the genomic region encompassing exon(s) 3-4 of the SLC24A1 gene. This deletion is out-of-frame, and is expected to create a premature termination codon and result in an absent or disrupted protein product. Loss-of-function variants in SLC24A1 are known to be pathogenic (PMID: 20850105, 26822852).

Literature cited by the submitters: PubMed 20850105; PubMed 26822852.